The following is an entry in ClinVar:

ClinVar aggregate classification (germline): Conflicting classifications of pathogenicity. Review status: criteria provided, conflicting classifications (1 of 4 stars). 2 submissions from 2 submitters: Uncertain significance (1); Likely benign (1). Last evaluated 2022-06-08.

Conditions:
Hypertrophic cardiomyopathy. Also called: HYPERTROPHIC MYOCARDIOPATHY. Identifiers: Orphanet 217569, MedGen C0007194, MeSH D002312, MONDO:0005045, HP:0001639.

Allele frequency attached by ClinVar (database versions not stated): gnomAD exomes 0.00001 and 0.00003; TOPMed 0.00001; ExAC 0.00003.
gnomAD v4.1: 18 of 1,612,186 alleles (0.0011%); highest among the groups gnomAD compares: East Asian, 0.016%; no homozygotes.

Submissions (2):

Ambry Genetics
Classification: Likely benign. Last evaluated: 2022-06-08. Review status: criteria provided, single submitter. Criteria: Ambry Variant Classification Scheme 2023. Collection method: clinical testing. Allele origin: germline.

Labcorp Genetics (formerly Invitae), Labcorp
Classification: Uncertain significance for Hypertrophic cardiomyopathy. Last evaluated: 2021-03-01. Review status: criteria provided, single submitter. Criteria: Invitae Variant Classification Sherloc (09022015). Collection method: clinical testing. Allele origin: germline.
Comment: Algorithms developed to predict the effect of missense changes on protein structure and function output the following: SIFT: "Tolerated"; PolyPhen-2: "Benign"; Align-GVGD: "Class C0". The isoleucine amino acid residue is found in multiple mammalian species, suggesting that this missense change does not adversely affect protein function. These predictions have not been confirmed by published functional studies and their clinical significance is uncertain. This variant has not been reported in the literature in individuals with MYOM1-related conditions. This variant is present in population databases (rs780903555, ExAC 0.01%). This sequence change replaces valine with isoleucine at codon 1661 of the MYOM1 protein (p.Val1661Ile). The valine residue is moderately conserved and there is a small physicochemical difference between valine and isoleucine. In summary, the available evidence is currently insufficient to determine the role of this variant in disease. Therefore, it has been classified as a Variant of Uncertain Significance.

NM_003803.4(MYOM1):c.4981G>A (p.Val1661Ile)

Gene: MYOM1 (myomesin 1; minus strand). Cytogenetic location: 18p11.31.
Variant type: single nucleotide variant.
Coding change: c.4981G>A on transcript NM_003803.4 (MANE Select); coding-DNA position 4981, G replaced by A.
Protein change: p.Val1661Ile; replaces valine 1661 with isoleucine.
Molecular consequence: missense variant.
Genome position (GRCh38, 1-based): chr18:3,067,339, C>T on the plus strand (G>A on the coding strand, the complement: MYOM1 is on the minus strand). VCF-style: chr18-3067339-C-T. GRCh37 (hg19) VCF-style: chr18-3067337-C-T.
Other names: c.4693G>A, p.Val1565Ile (NM_019856.2); short protein forms V1565I, V1661I.
Identifiers: ClinVar variation 1434567 (VCV001434567.10), dbSNP rs780903555, ClinGen allele CA8873704.